The following is an entry in ClinVar:

ClinVar aggregate classification (germline): Pathogenic/Likely pathogenic. Review status: criteria provided, multiple submitters, no conflicts (2 of 4 stars). 4 submissions from 4 submitters: Pathogenic (1); Likely pathogenic (3). Last evaluated 2025-11-17.

Conditions:
Argininosuccinate lyase deficiency. Also called: Argininosuccinic aciduria; ARGININOSUCCINIC ACID LYASE DEFICIENCY; ASL DEFICIENCY. Identifiers: Orphanet 23, MedGen C0268547, MONDO:0008815, OMIM 207900, HP:0025630.

Allele frequency attached by ClinVar (database versions not stated): gnomAD 0.00001; gnomAD exomes 0.00001; ESP Exome Variant Server 0.00008.
gnomAD v4.1: 14 of 1,613,516 alleles (0.00087%); highest among the groups gnomAD compares: Non-Finnish European, 0.0012%; no homozygotes.

Submissions (4):

Natera, Inc.
Classification: Likely pathogenic for Argininosuccinate lyase deficiency. Last evaluated: 2025-11-17. Review status: criteria provided, single submitter. Criteria: Natera Variant Classification Schema (03/2026). Collection method: clinical testing. Allele origin: germline.
Comment: The c.331C>T variant in ASL is a missense variant predicted to cause substitution of arginine to tryptophan at amino acid 111. This variant is rare in the general population with a frequency below the threshold expected for the associated phenotype(s). This variant has been observed in one or more individuals affected with the associated recessive disease, as either homozygous or compound heterozygous with a second variant (PMID: 31737040, 33611823). Computational prediction algorithms indicate this variant is likely to affect gene or protein function. Given the available evidence, this variant is classified as Likely Pathogenic.

Myriad Genetics, Inc.
Classification: Likely pathogenic for Argininosuccinate lyase deficiency. Last evaluated: 2025-03-20. Review status: criteria provided, single submitter. Criteria: Myriad Autosomal Dominant, Autosomal Recessive and X-Linked Classification Criteria (2023). Collection method: clinical testing. Allele origin: unknown.
Comment: NM_001024943.1(ASL):c.331C>T(R111W) is a missense variant classified as likely pathogenic in the context of argininosuccinic aciduria. R111W has been observed in cases with relevant disease (PMID: 33611823, 30838026, 38772378, 24927999, 1705937). Relevant functional assessments of this variant are not available in the literature. Internal structural analysis of the variant is supportive of pathogenicity. R111W has not been observed in referenced population frequency databases. In summary, NM_001024943.1(ASL):c.331C>T(R111W) is a missense variant that has internal structural support for pathogenicity and has been observed more frequently in cases with the relevant disease than in healthy populations. Please note: this variant was assessed in the context of healthy population screening.

Labcorp Genetics (formerly Invitae), Labcorp
Classification: Pathogenic for Argininosuccinate lyase deficiency. Last evaluated: 2024-02-26. Review status: criteria provided, single submitter. Criteria: Invitae Variant Classification Sherloc (09022015). Collection method: clinical testing. Allele origin: germline.
Comment: This sequence change replaces arginine, which is basic and polar, with tryptophan, which is neutral and slightly polar, at codon 111 of the ASL protein (p.Arg111Trp). This variant is not present in population databases (gnomAD no frequency). This missense change has been observed in individual(s) with argininosuccinate lyase deficiency (PMID: 1705937, 24927999, 33611823). In at least one individual the data is consistent with being in trans (on the opposite chromosome) from a pathogenic variant. ClinVar contains an entry for this variant (Variation ID: 1489478). Advanced modeling of protein sequence and biophysical properties (such as structural, functional, and spatial information, amino acid conservation, physicochemical variation, residue mobility, and thermodynamic stability) performed at Invitae indicates that this missense variant is expected to disrupt ASL protein function with a positive predictive value of 95%. For these reasons, this variant has been classified as Pathogenic.

Women's Health and Genetics/Laboratory Corporation of America, LabCorp
Classification: Likely pathogenic for Argininosuccinate lyase deficiency. Last evaluated: 2023-04-27. Review status: criteria provided, single submitter. Criteria: LabCorp Variant Classification Summary - May 2015. Collection method: clinical testing. Allele origin: germline.
Comment: Variant summary: ASL c.331C>T (p.Arg111Trp) results in a non-conservative amino acid change to a highly conserved residue (HGMD) located in the Fumarate lyase, N-terminal (IPR022761) of the encoded protein sequence. Five of five in-silico tools predict a damaging effect of the variant on protein function. The variant was absent in 250184 control chromosomes (gnomAD). c.331C>T has been reported in the literature in individuals affected with Argininosuccinic Aciduria (Barbosa_1991, Wang_2019, Lui_2021), and one was reported as compound heterozygous with a likely pathogenic variant. These data indicate that the variant is likely to be associated with disease. To our knowledge, no experimental evidence demonstrating an impact on protein function has been reported. The following publications have been ascertained in the context of this evaluation (PMID: 1705937, 31737040, 33611823). One submitter has provided a clinical-significance assessments for this variant to ClinVar after 2014 without evidence for independent evaluation. One laboratory classified the variant as pathogenic. Based on the evidence outlined above, the variant was classified as likely pathogenic.

Literature cited by the submitters: PubMed 31737040 (cited by Natera, Inc. and Women's Health and Genetics/Laboratory Corporation of America, LabCorp); PubMed 33611823 (cited by 4 submitters); PubMed 1705937 (cited by 3 submitters); PubMed 24927999 (cited by Myriad Genetics, Inc. and Labcorp Genetics (formerly Invitae), Labcorp); PubMed 30838026 (cited by Myriad Genetics, Inc.); PubMed 38772378 (cited by Myriad Genetics, Inc.).

NM_000048.4(ASL):c.331C>T (p.Arg111Trp)

Gene: ASL (argininosuccinate lyase; plus strand). Cytogenetic location: 7q11.21.
Variant type: single nucleotide variant.
Coding change: c.331C>T on transcript NM_000048.4 (MANE Select); coding-DNA position 331, C replaced by T.
Protein change: p.Arg111Trp; replaces arginine 111 with tryptophan.
Molecular consequence: missense variant.
Genome position (GRCh38, 1-based): chr7:66,082,919, C>T. VCF-style: chr7-66082919-C-T. GRCh37 (hg19) VCF-style: chr7-65547906-C-T.
Other names: c.331C>T (NM_000048.3); c.331C>T, p.Arg111Trp (NM_001024943.2, NM_001024944.2, NM_001024946.2); short protein forms R111W.
Identifiers: ClinVar variation 1489478 (VCV001489478.12), dbSNP rs138310841, ClinGen allele CA159926865.